The following is an entry in ClinVar:

ClinVar aggregate classification (germline): Uncertain significance (1 of 4 stars; one submission).

Conditions:
2-aminoadipic 2-oxoadipic aciduria (AAKAD). Also called: Aminoadipic aciduria; ALPHA-AMINOADIPIC AND ALPHA-KETOADIPIC ACIDURIA. Identifiers: Orphanet 79154, MedGen C1859817, MONDO:0008774, OMIM 204750.

gnomAD v4.1: 2 of 1,614,102 alleles (0.00012%); highest among the groups gnomAD compares: African/African-American, 0.0027%; no homozygotes.

Submission:

Labcorp Genetics (formerly Invitae), Labcorp
Classification: Uncertain significance for 2-aminoadipic 2-oxoadipic aciduria. Last evaluated: 2026-01-14. Review status: criteria provided, single submitter. Criteria: Invitae Variant Classification Sherloc (09022015). Collection method: clinical testing. Allele origin: germline.
Comment: This sequence change replaces tyrosine, which is neutral and polar, with aspartic acid, which is acidic and polar, at codon 498 of the DHTKD1 protein (p.Tyr498Asp). This variant is not present in population databases (gnomAD no frequency). This variant has not been reported in the literature in individuals affected with DHTKD1-related conditions. Invitae Evidence Modeling of protein sequence and biophysical properties (such as structural, functional, and spatial information, amino acid conservation, physicochemical variation, residue mobility, and thermodynamic stability) has been performed for this missense variant. However, the output from this modeling did not meet the statistical confidence thresholds required to predict the impact of this variant on DHTKD1 protein function. In summary, the available evidence is currently insufficient to determine the role of this variant in disease. Therefore, it has been classified as a Variant of Uncertain Significance.

NM_018706.7(DHTKD1):c.1492T>G (p.Tyr498Asp)

Gene: DHTKD1 (dehydrogenase E1 and transketolase domain containing 1; plus strand). Cytogenetic location: 10p14.
Variant type: single nucleotide variant.
Coding change: c.1492T>G on transcript NM_018706.7 (MANE Select); coding-DNA position 1492, T replaced by G.
Protein change: p.Tyr498Asp; replaces tyrosine 498 with aspartic acid.
Molecular consequence: missense variant.
Genome position (GRCh38, 1-based): chr10:12,097,817, T>G. VCF-style: chr10-12097817-T-G. GRCh37 (hg19) VCF-style: chr10-12139816-T-G.
Other names: short protein forms Y498D.
Identifiers: ClinVar variation 4742725 (VCV004742725.1).